The following is an entry in ClinVar:

NM_004656.4(BAP1):c.2096G>A (p.Arg699Gln)

Gene: BAP1 (BRCA1 associated deubiquitinase 1; minus strand). Cytogenetic location: 3p21.1.
Variant type: single nucleotide variant.
Coding change: c.2096G>A on transcript NM_004656.4 (MANE Select); coding-DNA position 2096, G replaced by A.
Protein change: p.Arg699Gln; replaces arginine 699 with glutamine.
Molecular consequence: missense variant.
Genome position (GRCh38, 1-based): chr3:52,402,382, C>T on the plus strand (G>A on the coding strand, the complement: BAP1 is on the minus strand). VCF-style: chr3-52402382-C-T. GRCh37 (hg19) VCF-style: chr3-52436398-C-T.
Other names: short protein forms R699Q.
Identifiers: ClinVar variation 570610 (VCV000570610.11), dbSNP rs1466334306, ClinGen allele CA353094381.

ClinVar aggregate classification (germline): Conflicting classifications of pathogenicity. Review status: criteria provided, conflicting classifications (1 of 4 stars). 3 submissions from 3 submitters: Uncertain significance (2); Benign (1). Last evaluated 2026-01-13.

Conditions:
Hereditary cancer-predisposing syndrome. Also called: Hereditary neoplastic syndrome; Tumor predisposition; Neoplastic Syndromes, Hereditary; Hereditary Cancer Syndrome. Identifiers: Orphanet 140162, MedGen C0027672, MeSH D009386, MONDO:0015356.
BAP1-related tumor predisposition syndrome (TPDS1). Also called: Tumor susceptibility linked to germline BAP1 mutations; TUMOR PREDISPOSITION SYNDROME 1; COMMON Syndrome; BAP1 tumor predisposition syndrome. Identifiers: Orphanet 289539, MedGen C3280492, MONDO:0013692, OMIM 614327.

Allele frequency attached by ClinVar (database versions not stated): gnomAD exomes below 0.00001.

Submissions (3):

Labcorp Genetics (formerly Invitae), Labcorp
Classification: Uncertain significance for BAP1-related tumor predisposition syndrome. Last evaluated: 2026-01-13. Review status: criteria provided, single submitter. Criteria: Invitae Variant Classification Sherloc (09022015). Collection method: clinical testing. Allele origin: germline.
Comment: This sequence change replaces arginine, which is basic and polar, with glutamine, which is neutral and polar, at codon 699 of the BAP1 protein (p.Arg699Gln). This variant is not present in population databases (gnomAD no frequency). This variant has not been reported in the literature in individuals affected with BAP1-related conditions. ClinVar contains an entry for this variant (Variation ID: 570610). Invitae Evidence Modeling of protein sequence and biophysical properties (such as structural, functional, and spatial information, amino acid conservation, physicochemical variation, residue mobility, and thermodynamic stability) indicates that this missense variant is not expected to disrupt BAP1 protein function with a negative predictive value of 80%. In summary, the available evidence is currently insufficient to determine the role of this variant in disease. Therefore, it has been classified as a Variant of Uncertain Significance.

Ambry Genetics
Classification: Benign for Hereditary cancer-predisposing syndrome. Last evaluated: 2025-10-16. Review status: criteria provided, single submitter. Criteria: Ambry Variant Classification Scheme 2023. Collection method: clinical testing. Allele origin: germline.

Center for Genomic Medicine, Rigshospitalet, Copenhagen University Hospital
Classification: Uncertain significance. Last evaluated: 2025-03-04. Review status: criteria provided, single submitter. Criteria: ACMG Guidelines, 2015. Collection method: clinical testing. Allele origin: germline.

Literature cited by the submitters: PubMed 38969833 (cited by Ambry Genetics).